The following is an entry in ClinVar:

ClinVar aggregate classification (germline): Uncertain significance (1 of 4 stars; one submission).

Allele frequency attached by ClinVar (database versions not stated): TOPMed below 0.00001; gnomAD exomes 0.00001.
gnomAD v4.1: 3 of 1,535,462 alleles (0.0002%); highest among the groups gnomAD compares: Admixed American, 0.002%; no homozygotes.

Submission:

Labcorp Genetics (formerly Invitae), Labcorp
Classification: Uncertain significance. Last evaluated: 2023-09-21. Review status: criteria provided, single submitter. Criteria: Invitae Variant Classification Sherloc (09022015). Collection method: clinical testing. Allele origin: germline.
Comment: This sequence change replaces glutamic acid, which is acidic and polar, with lysine, which is basic and polar, at codon 31 of the TBX4 protein (p.Glu31Lys). In summary, the available evidence is currently insufficient to determine the role of this variant in disease. Therefore, it has been classified as a Variant of Uncertain Significance. Advanced modeling of protein sequence and biophysical properties (such as structural, functional, and spatial information, amino acid conservation, physicochemical variation, residue mobility, and thermodynamic stability) performed at Invitae indicates that this missense variant is not expected to disrupt TBX4 protein function. This variant has not been reported in the literature in individuals affected with TBX4-related conditions. The frequency data for this variant in the population databases is considered unreliable, as metrics indicate poor data quality at this position in the gnomAD database.

NM_001321120.2(TBX4):c.91G>A (p.Glu31Lys)

Gene: TBX4 (T-box transcription factor 4; plus strand). Cytogenetic location: 17q23.2.
Variant type: single nucleotide variant.
Coding change: c.91G>A on transcript NM_001321120.2 (MANE Select); coding-DNA position 91, G replaced by A.
Protein change: p.Glu31Lys; replaces glutamic acid 31 with lysine.
Molecular consequence: missense variant.
Genome position (GRCh38, 1-based): chr17:61,456,581, G>A. VCF-style: chr17-61456581-G-A. GRCh37 (hg19) VCF-style: chr17-59533942-G-A.
Other names: c.91G>A, p.Glu31Lys (NM_018488.3); short protein forms E31K.
Identifiers: ClinVar variation 2796604 (VCV002796604.3), dbSNP rs1354010581, ClinGen allele CA400468892.